The following is an entry in ClinVar:

ClinVar aggregate classification (germline): Likely benign (0 of 4 stars; one submission).

Conditions:
TCN1-related disorder. Also called: TCN1-related condition.

Allele frequency attached by ClinVar (database versions not stated): gnomAD exomes below 0.00001; TOPMed 0.00001.
gnomAD v4.1: 3 of 1,613,966 alleles (0.00019%); highest among the groups gnomAD compares: African/African-American, 0.0013%; no homozygotes.

Submission:

PreventionGenetics, part of Exact Sciences
Classification: Likely benign for TCN1-related condition. Last evaluated: 2019-08-09. Review status: no assertion criteria provided. Collection method: clinical testing. Allele origin: germline.
Comment: This variant is classified as likely benign based on ACMG/AMP sequence variant interpretation guidelines (Richards et al. 2015 PMID: 25741868, with internal and published modifications).

NM_001062.4(TCN1):c.1240+6G>A

Gene: TCN1 (transcobalamin 1; minus strand). Cytogenetic location: 11q12.1.
Variant type: single nucleotide variant.
Coding change: c.1240+6G>A on transcript NM_001062.4 (MANE Select); 6 bases into the intron after coding-DNA position 1240, G replaced by A.
Molecular consequence: intron variant.
Genome position (GRCh38, 1-based): chr11:59,853,197, C>T on the plus strand (G>A on the coding strand, the complement: TCN1 is on the minus strand). VCF-style: chr11-59853197-C-T. GRCh37 (hg19) VCF-style: chr11-59620670-C-T.
Identifiers: ClinVar variation 3049479 (VCV003049479.2), dbSNP rs1405335194, ClinGen allele CA599719143.